The following is an entry in ClinVar:

ClinVar aggregate classification (germline): Conflicting classifications of pathogenicity. Review status: criteria provided, conflicting classifications (1 of 4 stars). 5 submissions from 5 submitters: Uncertain significance (3); Likely benign (2). Last evaluated 2025-06-06.

Conditions:
Ullrich congenital muscular dystrophy 2 (UCMD2). Identifiers: Orphanet 75840, MedGen C4225314, MONDO:0014654, OMIM 616470.
Bethlem myopathy 2 (BTHLM2). Identifiers: Orphanet 536516, Orphanet 610, MedGen C4225313, MONDO:0034022, OMIM 616471.
Inborn genetic diseases. Identifiers: MedGen C0950123, MeSH D030342.

Allele frequency attached by ClinVar (database versions not stated): gnomAD 0.00001 and 0.00005; TOPMed 0.00003; gnomAD exomes 0.00004 and 0.00012; ExAC 0.00007; 1000 Genomes Project 30x 0.00016; 1000 Genomes Project 0.00020.
gnomAD v4.1: 182 of 1,609,842 alleles (0.011%); highest among the groups gnomAD compares: East Asian, 0.4%; 2 homozygotes.

Submissions (5):

Labcorp Genetics (formerly Invitae), Labcorp
Classification: Likely benign for Bethlem myopathy 2; Ullrich congenital muscular dystrophy 2. Last evaluated: 2025-06-06. Review status: criteria provided, single submitter. Criteria: Invitae Variant Classification Sherloc (09022015). Collection method: clinical testing. Allele origin: germline.

Women's Health and Genetics/Laboratory Corporation of America, LabCorp
Classification: Likely benign. Last evaluated: 2025-04-28. Review status: criteria provided, single submitter. Criteria: LabCorp Variant Classification Summary - May 2015. Collection method: clinical testing. Allele origin: germline.
Comment: Variant summary: COL12A1 c.7813A>C (p.Lys2605Gln) results in a conservative amino acid change in the encoded protein sequence. Four of five in-silico tools predict a benign effect of the variant on protein function. The variant allele was found at a frequency of 0.00011 in 1609842 control chromosomes, predominantly at a frequency of 0.004 within the East Asian subpopulation in the gnomAD database, including 2 homozygotes. The observed variant frequency within East Asian control individuals in the gnomAD database is approximately equal to the estimated maximal expected allele frequency for a pathogenic variant in COL12A1 causing Ullrich congenital muscular dystrophy 2 phenotype (0.0035). To our knowledge, no occurrence of c.7813A>C in individuals affected with Ullrich congenital muscular dystrophy 2 and no experimental evidence demonstrating its impact on protein function have been reported. ClinVar contains an entry for this variant (Variation ID: 964906). Based on the evidence outlined above, the variant was classified as likely benign.

Ambry Genetics
Classification: Uncertain significance for Inborn genetic diseases. Last evaluated: 2024-01-02. Review status: criteria provided, single submitter. Criteria: Ambry Variant Classification Scheme 2023. Collection method: clinical testing. Allele origin: germline.

GeneDx
Classification: Uncertain significance. Last evaluated: 2022-10-26. Review status: criteria provided, single submitter. Criteria: GeneDx Variant Classification Process June 2021. Collection method: clinical testing. Allele origin: germline. Affected: yes.
Comment: Has not been previously published as pathogenic or benign to our knowledge; In silico analysis supports that this missense variant does not alter protein structure/function

Revvity Omics, Revvity
Classification: Uncertain significance. Last evaluated: 2019-06-06. Review status: criteria provided, single submitter. Criteria: ACMG Guidelines, 2015. Collection method: clinical testing. Allele origin: germline.

NM_004370.6(COL12A1):c.7813A>C (p.Lys2605Gln)

Gene: COL12A1 (collagen type XII alpha 1 chain; minus strand). Cytogenetic location: 6q13.
Variant type: single nucleotide variant.
Coding change: c.7813A>C on transcript NM_004370.6 (MANE Select); coding-DNA position 7813, A replaced by C.
Protein change: p.Lys2605Gln; replaces lysine 2605 with glutamine.
Molecular consequence: missense variant.
Genome position (GRCh38, 1-based): chr6:75,113,629, T>G on the plus strand (A>C on the coding strand, the complement: COL12A1 is on the minus strand). VCF-style: chr6-75113629-T-G. GRCh37 (hg19) VCF-style: chr6-75823345-T-G.
Other names: c.4321A>C, p.Lys1441Gln (NM_080645.3); short protein forms K1441Q, K2605Q.
Identifiers: ClinVar variation 964906 (VCV000964906.16), dbSNP rs200751269, ClinGen allele CA3892457.